The following continues an entry in ClinVar:

NM_000152.5(GAA):c.1927G>A (p.Gly643Arg)

Gene: GAA. ClinVar aggregate classification (germline): Pathogenic. Pathogenic (1).

Submissions 6 to 17 of 17:

Natera, Inc.
Classification: Pathogenic for Glycogen storage disease type II. Last evaluated: 2024-10-09. Review status: criteria provided, single submitter. Criteria: Natera Variant Classification Schema (03/2026). Collection method: clinical testing. Allele origin: germline. Not counted in ClinVar's aggregate classification.
Comment: The c.1927G>A variant in GAA is a missense variant predicted to cause substitution of glycine to arginine at amino acid 643. This variant is rare in the general population with a frequency below the threshold expected for the associated phenotype(s). This variant has been observed in one or more individuals affected with the associated recessive disease, as either homozygous or compound heterozygous with a second variant (PMID: 18429042, 18285536). Computational prediction algorithms indicate this variant is likely to affect gene or protein function. Given the available evidence, this variant is classified as Pathogenic.

Fulgent Genetics
Classification: Pathogenic for Glycogen storage disease, type II. Last evaluated: 2024-05-31. Review status: criteria provided, single submitter. Criteria: ACMG Guidelines, 2015. Collection method: clinical testing. Allele origin: germline. Not counted in ClinVar's aggregate classification.

CeGaT Center for Human Genetics Tuebingen
Classification: Pathogenic. Last evaluated: 2023-04-01. Review status: criteria provided, single submitter. Criteria: CeGaT Center For Human Genetics Tuebingen Variant Classification Criteria Version 2. Collection method: clinical testing. Allele origin: germline. Affected: yes. Observed: 2 variant alleles. Not counted in ClinVar's aggregate classification.
Comment: GAA: PM3:Very Strong, PM2, PP3

Revvity Omics, Revvity
Classification: Pathogenic. Last evaluated: 2023-03-16. Review status: criteria provided, single submitter. Criteria: ACMG Guidelines, 2015. Collection method: clinical testing. Allele origin: germline. Not counted in ClinVar's aggregate classification.

Foundation for Research in Genetics and Endocrinology, FRIGE's Institute of Human Genetics
Classification: Pathogenic for Glycogen storage disease, type II. Last evaluated: 2022-06-28. Review status: criteria provided, single submitter. Criteria: ACMG Guidelines, 2015. Collection method: clinical testing. Allele origin: germline. Inheritance: Autosomal recessive inheritance. Affected: yes. Observed: 1 homozygote. Not counted in ClinVar's aggregate classification.
Comment: A homozygous missense variation in exon 14 of the GAA gene that results in the amino acid substitution of Arginine for Glycine at codon 643 was detected. The observed variant c.1927G>A (p.Gly643Arg) has not been reported in the 1000 genomes and has a MAF of 0.002% in the gnomAD databases. The in silico prediction of the variant is by DANN, LRT, MutationTaster, SIFT. The reference codon is conserved across species. In summary, the variant meets our criteria to be classified as a variant of uncertain significance.

Servicio Canario de Salud, Hospital Universitario Nuestra Sra. de Candelaria
Classification: Pathogenic for Glycogen storage disease, type II. Last evaluated: 2022-06-20. Review status: criteria provided, single submitter. Criteria: ACMG Guidelines, 2015. Collection method: clinical testing. Allele origin: germline. Inheritance: Autosomal recessive inheritance. Affected: yes. Observed: 1 compound heterozygote. Not counted in ClinVar's aggregate classification.
Comment: Pompe Variant Database describes this phenotype in seven patients, with age of onset and variable phenoty. It has been previously reported in patients with Pompe disease both in the homozygous and heterozygous state (PMID: 30023291, 25052852, 17056254, 25783438, 30155607, 26349193, 11071489, 20559845, 26497565, 19588081, 18607768, 19862843, 18429042, 17723315, 16917947, 9521422, 8401535). This variant is present in population databases (gnomAD allele frequency 0.00002476). ClinVar contains an entry for this variant (Variation ID: 4023) with no conflicts. Experimental evidence has shown the variant to result in impairment of intracellular transport and maturation of the protein, resulting in severe enzyme deficiency (PMID: 8401535). In summary, c.1927G>A (p.Gly643Arg) GAA variant meets our criteria to be classified as pathogenic for Pompe disease in an autosomal recessive manner based upon functional evidence and its identification in numerous affected individuals.

Women's Health and Genetics/Laboratory Corporation of America, LabCorp
Classification: Pathogenic for Glycogen storage disease, type II. Last evaluated: 2020-04-17. Review status: criteria provided, single submitter. Criteria: LabCorp Variant Classification Summary - May 2015. Collection method: clinical testing. Allele origin: germline. Not counted in ClinVar's aggregate classification.
Comment: Variant summary: GAA c.1927G>A (p.Gly643Arg) results in a non-conservative amino acid change in the encoded protein sequence. Five of five in-silico tools predict a damaging effect of the variant on protein function. The variant allele was found at a frequency of 2.5e-05 in 242074 control chromosomes. c.1927G>A has been reported in the literature in multiple individuals affected with Glycogen Storage Disease, Type 2 (Pompe Disease; eg. Hermans_1993, Laforet_2000, McCready_2007, Oba-Shinjo_2009, Pittis_2008). Experimental evidence has shown the variant to result in impairment of intracellular transport and maturation of the protein, resulting in severe enzyme deficiency (Hermans_1993) Four clinical diagnostic laboratories have submitted clinical-significance assessments for this variant to ClinVar after 2014 without evidence for independent evaluation. All laboratories classified the variant as pathogenic. Based on the evidence outlined above, the variant was classified as pathogenic.

Broad Center for Mendelian Genomics, Broad Institute of MIT and Harvard
Classification: Pathogenic for Glycogen storage disease, type II. Last evaluated: 2020-01-22. Review status: criteria provided, single submitter. Criteria: ACMG Guidelines, 2015. Collection method: curation. Allele origin: germline. Inheritance: Autosomal recessive inheritance. Not counted in ClinVar's aggregate classification.
Comment: The p.Gly643Arg variant in GAA has been reported in the homozygous and heterozygous state in at least 31 individuals (including 8 Italian, 7 French, 3 Brazilian, 1 German, 1 from the UK, 1 Argentinian, 1 Canadian, and 1 Saudi Arabian individuals) with Glycogen Storage Disease II (PMID: 30023291, 25052852, 17056254, 25783438, 30155607, 26349193, 11071489, 20559845, 26497565, 19588081, 18607768, 19862843, 18429042, 17723315, 16917947, 9521422, 8401535), and has also been reported pathogenic by Invitae, Counsyl, Blueprint Genetics, and OMIM in ClinVar (Variation ID: 4023). This variant has been identified in 0.004% (4/109080) of European (non-Finnish) chromosomes, 0.003% (1/29618) of South Asian chromosomes, and 0.003% (1/33956) of Latino chromosomes by the Genome Aggregation Database (gnomAD; dbSNP rs28937909). Although this variant has been seen in the general population, its frequency is low enough to be consistent with a recessive carrier frequency. In vitro functional studies with COS cells transfected with the variant and structural analysis provide some evidence that the p.Gly643Arg variant may impact the GAA active site, GAA processing, and GAA activity (PMID: 19862843, 9521422, 8401535, 25103075). However, these types of assays may not accurately represent biological function. Computational prediction tools and conservation analyses suggest that this variant may impact the protein, though this information is not predictive enough to determine pathogenicity. The presence of this variant in the homozygous state and in combination with pathogenic variants, and in individuals with Glycogen Storage Disease II increases the likelihood that the p.Gly643Arg variant is pathogenic (PMID: 24158270, 17056254, 17723315, 11071489, 26497565). The phenotype of individuals homozygous and heterozygous for this variant is highly specific for Glycogen Storage Disease II based on reduced GAA activity in relevant tissues (PMID: 24158270, 17056254, 17723315, 11071489, 26497565). In summary, this variant meets criteria to be classified as pathogenic for Glycogen Storage Disease II in an autosomal recessive manner based on in vitro functional studies with COS cells transfected with this variant, and multiple occurrences with pathogenic variants in individuals with Glycogen Storage Disease II. ACMG/AMP Criteria applied: PS3, PM3_Strong, PM2, PP3, PP4 (Richards 2015).

Blueprint Genetics
Classification: Pathogenic for GAA-related disorders. Last evaluated: 2020-01-21. Review status: criteria provided, single submitter. Criteria: ACMG Guidelines, 2015. Collection method: clinical testing. Allele origin: germline. Affected: yes. Observed: 5 variant alleles. Not counted in ClinVar's aggregate classification.

Mendelics
Classification: Pathogenic for Glycogen storage disease, type II. Last evaluated: 2019-05-28. Review status: criteria provided, single submitter. Criteria: Mendelics Assertion Criteria 2017. Collection method: clinical testing. Allele origin: unknown. Not counted in ClinVar's aggregate classification.

Counsyl
Classification: Pathogenic for Glycogen storage disease, type II. Last evaluated: 2016-09-09. Review status: no assertion criteria provided. Collection method: clinical testing. Allele origin: unknown. Not counted in ClinVar's aggregate classification.

OMIM
Classification: Pathogenic for POMPE DISEASE, LATE-ONSET. Last evaluated: 1993-01-01. Review status: no assertion criteria provided. Collection method: literature only. Allele origin: germline. Not counted in ClinVar's aggregate classification.

Literature cited by the submitters: PubMed 40952111 (cited by Genomenon, Inc); PubMed 40813881 (cited by Genomenon, Inc); PubMed 39835171 (cited by Genomenon, Inc); PubMed 39273088 (cited by Genomenon, Inc); PubMed 35346323 (cited by Genomenon, Inc); PubMed 34734785 (cited by Genomenon, Inc); PubMed 34501319 (cited by Genomenon, Inc); PubMed 33451932 (cited by Genomenon, Inc); PubMed 33301762 (cited by Genomenon, Inc); PubMed 33168984 (cited by Genomenon, Inc); PubMed 19862843 (cited by 3 submitters); PubMed 8401535 (cited by 7 submitters); PubMed 9521422 (cited by Genomenon, Inc and Broad Center for Mendelian Genomics, Broad Institute of MIT and Harvard); PubMed 38186848 (cited by 3billion); PubMed 18607768 (cited by 3 submitters); PubMed 24158270 (cited by Labcorp Genetics (formerly Invitae), Labcorp and Broad Center for Mendelian Genomics, Broad Institute of MIT and Harvard); PubMed 18429042 (cited by 4 submitters); PubMed 18285536 (cited by Natera, Inc.); PubMed 30023291 (cited by Servicio Canario de Salud, Hospital Universitario Nuestra Sra. de Candelaria and Broad Center for Mendelian Genomics, Broad Institute of MIT and Harvard); PubMed 17723315 (cited by 3 submitters); PubMed 19588081 (cited by 3 submitters); PubMed 11071489 (cited by 3 submitters); PubMed 17056254 (cited by Broad Center for Mendelian Genomics, Broad Institute of MIT and Harvard); PubMed 26349193 (cited by Broad Center for Mendelian Genomics, Broad Institute of MIT and Harvard); PubMed 26497565 (cited by Broad Center for Mendelian Genomics, Broad Institute of MIT and Harvard); PubMed 30155607 (cited by Broad Center for Mendelian Genomics, Broad Institute of MIT and Harvard); PubMed 25783438 (cited by Broad Center for Mendelian Genomics, Broad Institute of MIT and Harvard); PubMed 25103075 (cited by Broad Center for Mendelian Genomics, Broad Institute of MIT and Harvard and Counsyl); PubMed 25052852 (cited by Broad Center for Mendelian Genomics, Broad Institute of MIT and Harvard); PubMed 16917947 (cited by Broad Center for Mendelian Genomics, Broad Institute of MIT and Harvard); PubMed 20559845 (cited by Broad Center for Mendelian Genomics, Broad Institute of MIT and Harvard); PubMed 3865697 (cited by OMIM).